The following is an entry in ClinVar:

NM_001267550.2(TTN):c.106681T>A (p.Leu35561Ile)

Genes: TTN (titin; minus strand), TTN-AS1 (TTN antisense RNA 1; plus strand). Cytogenetic location: 2q31.2.
Variant type: single nucleotide variant.
Coding change: c.106681T>A on transcript NM_001267550.2 (MANE Select); coding-DNA position 106681, T replaced by A.
Protein change: p.Leu35561Ile; replaces leucine 35561 with isoleucine.
Molecular consequence: missense variant.
Genome position (GRCh38, 1-based): chr2:178,529,070, A>T on the plus strand (T>A on the coding strand, the complement: TTN is on the minus strand). VCF-style: chr2-178529070-A-T. GRCh37 (hg19) VCF-style: chr2-179393797-A-T.
Other names: c.101758T>A, p.Leu33920Ile (NM_001256850.1); c.79486T>A, p.Leu26496Ile (NM_003319.4); c.98977T>A, p.Leu32993Ile (NM_133378.4); c.79861T>A, p.Leu26621Ile (NM_133432.3); c.80062T>A, p.Leu26688Ile (NM_133437.4); short protein forms L26496I, L26621I, L26688I, L32993I, L33920I, L35561I.
Identifiers: ClinVar variation 3748291 (VCV003748291.2).
Genomic context (GRCh38, chr2:178,529,070, plus strand): 5'-CTGCTGATTTCTTGACTTCTTCAGAAATCAGAACCTTTGAAGCTTCCTCTTTGAGGGCTA[A>T]CTTTTCTTGAGATTTTGCCTCTGACATCTTAATTTCTTCAGACCTTAGGGCTTTTTGGGA-3'
Protein context (NP_001254479.2, residues 35551-35571): KMSEAKSQEK[Leu35561Ile]ALKEEASKVL

ClinVar aggregate classification (germline): Uncertain significance (1 of 4 stars; one submission).

Conditions:
Dilated cardiomyopathy 1G (CMD1G). Identifiers: Orphanet 154, MedGen C1858763, MONDO:0011400, OMIM 604145.
Autosomal recessive limb-girdle muscular dystrophy type 2J (LGMDR10). Also called: Limb-girdle muscular dystrophy, type 2J; MUSCULAR DYSTROPHY, LIMB-GIRDLE, AUTOSOMAL RECESSIVE 10. Identifiers: Orphanet 140922, MedGen C1837342, MONDO:0012127, OMIM 608807.

gnomAD v4.1: 16 of 1,613,484 alleles (0.00099%); highest among the groups gnomAD compares: Non-Finnish European, 0.0014%; no homozygotes.

Submission:

Labcorp Genetics (formerly Invitae), Labcorp
Classification: Uncertain significance for Dilated cardiomyopathy 1G; Autosomal recessive limb-girdle muscular dystrophy type 2J. Last evaluated: 2024-10-07. Review status: criteria provided, single submitter. Criteria: Invitae Variant Classification Sherloc (09022015). Collection method: clinical testing. Allele origin: germline.
Comment: This sequence change replaces leucine, which is neutral and non-polar, with isoleucine, which is neutral and non-polar, at codon 35561 of the TTN protein (p.Leu35561Ile). This variant is present in population databases (rs774524700, gnomAD 0.0009%). This variant has not been reported in the literature in individuals affected with TTN-related conditions. Experimental studies and prediction algorithms are not available or were not evaluated, and the functional significance of this variant is currently unknown. This variant is located in the M band of TTN (PMID: 25589632). Non-truncating variants in this region may be relevant for neuromuscular disorders, but have not been definitively shown to cause cardiomyopathy (PMID: 23975875). In summary, the available evidence is currently insufficient to determine the role of this variant in disease. Therefore, it has been classified as a Variant of Uncertain Significance.

Literature cited by the submitters: PubMed 25589632; PubMed 23975875.